The following is an entry in ClinVar:

NM_001614.5(ACTG1):c.5A>T (p.Glu2Val)

Gene: ACTG1 (actin gamma 1; minus strand). Cytogenetic location: 17q25.3.
Variant type: single nucleotide variant.
Coding change: c.5A>T on transcript NM_001614.5 (MANE Select); coding-DNA position 5, A replaced by T.
Protein change: p.Glu2Val; replaces glutamic acid 2 with valine.
Molecular consequence: missense variant. On other transcripts: non-coding transcript variant (1).
Genome position (GRCh38, 1-based): chr17:81,512,350, T>A on the plus strand (A>T on the coding strand, the complement: ACTG1 is on the minus strand). VCF-style: chr17-81512350-T-A. GRCh37 (hg19) VCF-style: chr17-79479376-T-A.
Other names: c.5A>T, p.Glu2Val (NM_001199954.3); short protein forms E2V.
Identifiers: ClinVar variation 2948958 (VCV002948958.3), dbSNP rs11549194, ClinGen allele CA401464072.

ClinVar aggregate classification (germline): Uncertain significance (1 of 4 stars; one submission).

Conditions:
Autosomal dominant nonsyndromic hearing loss 20. Identifiers: Orphanet 90635, MedGen C1858172, MONDO:0011480, OMIM 604717.
Baraitser-winter syndrome 2. Identifiers: Orphanet 2995, MedGen C3281235, MONDO:0013812, OMIM 614583.

Allele frequency attached by ClinVar (database versions not stated): TOPMed below 0.00001.

Submission:

Labcorp Genetics (formerly Invitae), Labcorp
Classification: Uncertain significance for Baraitser-winter syndrome 2; Autosomal dominant nonsyndromic hearing loss 20. Last evaluated: 2023-06-27. Review status: criteria provided, single submitter. Criteria: Invitae Variant Classification Sherloc (09022015). Collection method: clinical testing. Allele origin: germline.
Comment: In summary, the available evidence is currently insufficient to determine the role of this variant in disease. Therefore, it has been classified as a Variant of Uncertain Significance. An algorithm developed to predict the effect of missense changes on protein structure and function (PolyPhen-2) suggests that this variant is likely to be tolerated. This variant has not been reported in the literature in individuals affected with ACTG1-related conditions. This variant is not present in population databases (gnomAD no frequency). This sequence change replaces glutamic acid, which is acidic and polar, with valine, which is neutral and non-polar, at codon 2 of the ACTG1 protein (p.Glu2Val).